The following is an entry in ClinVar:

ClinVar aggregate classification (germline): Likely pathogenic (1 of 4 stars; one submission).

Conditions:
Generalized pustular psoriasis. Identifiers: Orphanet 247353, MedGen C0343055, MONDO:0100491.

Submission:

Labcorp Genetics (formerly Invitae), Labcorp
Classification: Likely pathogenic for Generalized pustular psoriasis. Last evaluated: 2024-10-21. Review status: criteria provided, single submitter. Criteria: Invitae Variant Classification Sherloc (09022015). Collection method: clinical testing. Allele origin: germline.
Comment: This sequence change affects an acceptor splice site in intron 2 of the IL36RN gene. It is expected to disrupt RNA splicing. Variants that disrupt the donor or acceptor splice site typically lead to a loss of protein function (PMID: 16199547), and loss-of-function variants in IL36RN are known to be pathogenic (PMID: 23698098). This variant is not present in population databases (gnomAD no frequency). This variant has not been reported in the literature in individuals affected with IL36RN-related conditions. ClinVar contains an entry for this variant (Variation ID: 2000447). Algorithms developed to predict the effect of sequence changes on RNA splicing suggest that this variant may disrupt the consensus splice site. In summary, the currently available evidence indicates that the variant is pathogenic, but additional data are needed to prove that conclusively. Therefore, this variant has been classified as Likely Pathogenic.

Literature cited by the submitters: PubMed 16199547; PubMed 23698098.

NM_012275.3(IL36RN):c.30-2A>G

Gene: IL36RN (interleukin 36 receptor antagonist; plus strand). Cytogenetic location: 2q14.1.
Variant type: single nucleotide variant.
Coding change: c.30-2A>G on transcript NM_012275.3 (MANE Select); the canonical splice acceptor site of the intron before coding-DNA position 30, A replaced by G.
Molecular consequence: splice acceptor variant.
Genome position (GRCh38, 1-based): chr2:113,060,850, A>G. VCF-style: chr2-113060850-A-G. GRCh37 (hg19) VCF-style: chr2-113818427-A-G.
Other names: c.30-2A>G (NM_173170.1).
Identifiers: ClinVar variation 2000447 (VCV002000447.4), dbSNP rs2466802788, ClinGen allele CA348289128.